The following is an entry in ClinVar:

NM_000019.4(ACAT1):c.959T>C (p.Val320Ala)

Gene: ACAT1 (acetyl-CoA acetyltransferase 1; plus strand). Cytogenetic location: 11q22.3.
Variant type: single nucleotide variant.
Coding change: c.959T>C on transcript NM_000019.4 (MANE Select); coding-DNA position 959, T replaced by C.
Protein change: p.Val320Ala; replaces valine 320 with alanine.
Molecular consequence: missense variant. On other transcripts: non-coding transcript variant (1).
Genome position (GRCh38, 1-based): chr11:108,144,001, T>C. VCF-style: chr11-108144001-T-C. GRCh37 (hg19) VCF-style: chr11-108014728-T-C.
Other names: c.959T>C, p.Val320Ala (NM_001386677.1); c.644T>C, p.Val215Ala (NM_001386678.1); c.662T>C, p.Val221Ala (NM_001386679.1); c.689T>C, p.Val230Ala (NM_001386681.1, NM_001386682.1, NM_001386685.1 and 6 more transcripts); short protein forms V221A, V215A, V230A, V320A.
Identifiers: ClinVar variation 1432971 (VCV001432971.5), dbSNP rs1184689716, ClinGen allele CA382508219.

ClinVar aggregate classification (germline): Uncertain significance (1 of 4 stars; one submission).

Conditions:
Deficiency of acetyl-CoA acetyltransferase. Also called: 3-KETOTHIOLASE DEFICIENCY; 3-OXOTHIOLASE DEFICIENCY; Beta-ketothiolase deficiency; MITOCHONDRIAL ACETOACETYL-CoA THIOLASE DEFICIENCY. Identifiers: Orphanet 134, MedGen C1536500, MONDO:0008760, OMIM 203750. Disease mechanism: loss of function.

Allele frequency attached by ClinVar (database versions not stated): gnomAD 0.00001; gnomAD exomes 0.00003.
gnomAD v4.1: 29 of 1,113,040 alleles (0.0026%); highest among the groups gnomAD compares: Non-Finnish European, 0.0036%; no homozygotes.

Submission:

Labcorp Genetics (formerly Invitae), Labcorp
Classification: Uncertain significance for Deficiency of acetyl-CoA acetyltransferase. Last evaluated: 2021-08-31. Review status: criteria provided, single submitter. Criteria: Invitae Variant Classification Sherloc (09022015). Collection method: clinical testing. Allele origin: germline.
Comment: This sequence change replaces valine with alanine at codon 320 of the ACAT1 protein (p.Val320Ala). The valine residue is moderately conserved and there is a small physicochemical difference between valine and alanine. This variant is not present in population databases (ExAC no frequency). This variant has not been reported in the literature in individuals affected with ACAT1-related conditions. Algorithms developed to predict the effect of missense changes on protein structure and function are either unavailable or do not agree on the potential impact of this missense change (SIFT: "Tolerated"; PolyPhen-2: "Possibly Damaging"; Align-GVGD: "Class C0"). Algorithms developed to predict the effect of sequence changes on RNA splicing suggest that this variant may create or strengthen a splice site. In summary, the available evidence is currently insufficient to determine the role of this variant in disease. Therefore, it has been classified as a Variant of Uncertain Significance.